The following is an entry in ClinVar:

ClinVar aggregate classification (germline): Uncertain significance (1 of 4 stars; one submission).

Conditions:
BCKDK-related disorder. Also called: BCKDK-related condition.

Submission:

PreventionGenetics, part of Exact Sciences
Classification: Uncertain significance for BCKDK-related condition. Last evaluated: 2022-09-08. Review status: criteria provided, single submitter. Criteria: ACMG Guidelines, 2015. Collection method: clinical testing. Allele origin: germline.
Comment: The BCKDK c.1115C>G variant is predicted to result in the amino acid substitution p.Thr372Arg. To our knowledge, this variant has not been reported in the literature or in a large population database, indicating this variant is rare. At this time, the clinical significance of this variant is uncertain due to the absence of conclusive functional and genetic evidence.

NM_005881.4(BCKDK):c.1115C>G (p.Thr372Arg)

Gene: BCKDK (branched chain keto acid dehydrogenase kinase; plus strand). Cytogenetic location: 16p11.2.
Variant type: single nucleotide variant.
Coding change: c.1115C>G on transcript NM_005881.4 (MANE Select); coding-DNA position 1115, C replaced by G.
Protein change: p.Thr372Arg; replaces threonine 372 with arginine.
Molecular consequence: missense variant. On other transcripts: 3 prime UTR variant (2).
Genome position (GRCh38, 1-based): chr16:31,112,141, C>G. VCF-style: chr16-31112141-C-G. GRCh37 (hg19) VCF-style: chr16-31123462-C-G.
Other names: c.*110C>G (NM_001122957.4, NM_001271926.3); short protein forms T372R.
Identifiers: ClinVar variation 2637093 (VCV002637093.1), dbSNP rs780549207, ClinGen allele CA395661696.
Genomic context (GRCh38, chr16:31,112,141, plus strand): 5'-CCTCTGAAGCCTCCTGTCCTGTCCCCCTGCCCACCCCCAGCTTTGGCTTCGGGTTGCCCA[C>G]GTCACGGGCCTACGCGGAGTACCTCGGTGGGTCTCTGCAGCTGCAGTCCCTGCAGGGCAT-3'
Protein context (NP_005872.2, residues 362-382): PMHGFGFGLP[Thr372Arg]SRAYAEYLGG